The following is an entry in ClinVar:

ClinVar aggregate classification (germline): Uncertain significance (1 of 4 stars; one submission).

Conditions:
Propionic acidemia (PROP). Also called: GLYCINEMIA, KETOTIC; HYPERGLYCINEMIA WITH KETOACIDOSIS AND LEUKOPENIA; KETOTIC HYPERGLYCINEMIA. Identifiers: Orphanet 35, MedGen C0268579, MONDO:0011628, OMIM 606054, HP:0003571.

Submission:

Labcorp Genetics (formerly Invitae), Labcorp
Classification: Uncertain significance for Propionic acidemia. Last evaluated: 2024-06-06. Review status: criteria provided, single submitter. Criteria: Invitae Variant Classification Sherloc (09022015). Collection method: clinical testing. Allele origin: germline.
Comment: This sequence change replaces valine, which is neutral and non-polar, with phenylalanine, which is neutral and non-polar, at codon 673 of the PCCA protein (p.Val673Phe). This variant is not present in population databases (gnomAD no frequency). This variant has not been reported in the literature in individuals affected with PCCA-related conditions. Advanced modeling of protein sequence and biophysical properties (such as structural, functional, and spatial information, amino acid conservation, physicochemical variation, residue mobility, and thermodynamic stability) has been performed at Invitae for this missense variant, however the output from this modeling did not meet the statistical confidence thresholds required to predict the impact of this variant on PCCA protein function. In summary, the available evidence is currently insufficient to determine the role of this variant in disease. Therefore, it has been classified as a Variant of Uncertain Significance.

NM_000282.4(PCCA):c.2017G>T (p.Val673Phe)

Gene: PCCA (propionyl-CoA carboxylase subunit alpha; plus strand). Cytogenetic location: 13q32.3.
Variant type: single nucleotide variant.
Coding change: c.2017G>T on transcript NM_000282.4 (MANE Select); coding-DNA position 2017, G replaced by T.
Protein change: p.Val673Phe; replaces valine 673 with phenylalanine.
Molecular consequence: missense variant. On other transcripts: non-coding transcript variant (4), intron variant (2).
Genome position (GRCh38, 1-based): chr13:100,515,544, G>T. VCF-style: chr13-100515544-G-T. GRCh37 (hg19) VCF-style: chr13-101167798-G-T.
Other names: c.1939G>T, p.Val647Phe (NM_001127692.3); c.1963G>T, p.Val655Phe (NM_001352605.2); c.1873G>T, p.Val625Phe (NM_001352606.2); c.1795G>T, p.Val599Phe (NM_001352608.2); c.1072G>T, p.Val358Phe (NM_001352610.2); c.1018G>T, p.Val340Phe (NM_001352611.2); c.928G>T, p.Val310Phe (NM_001352612.2); c.1900-12131G>T (NM_001178004.2); and 1 more; short protein forms V340F, V647F, V655F, V673F, V310F, V599F, V625F, V358F.
Identifiers: ClinVar variation 3636579 (VCV003636579.2).
Genomic context (GRCh38, chr13:100,515,544, plus strand): 5'-AAAGTGACTGAGGACACAAGCAGTGTTCTGCGTTCCCCGATGCCCGGAGTGGTGGTGGCC[G>T]TCTCTGTCAAGCCTGGAGACGCGGTAAGGGCTGTGTGTGTCTCTCTGCAGGACATGCTGG-3'
Protein context (NP_000273.2, residues 663-683): RSPMPGVVVA[Val673Phe]SVKPGDAVAE